The following is an entry in ClinVar:

ClinVar aggregate classification (germline): Uncertain significance. Review status: criteria provided, multiple submitters, no conflicts (2 of 4 stars). 2 submissions from 2 submitters: Uncertain significance (2). Last evaluated 2024-12-06.

Conditions:
Pulmonary fibrosis and/or bone marrow failure, Telomere-related, 3. Also called: PULMONARY FIBROSIS AND/OR BONE MARROW FAILURE SYNDROME, TELOMERE-RELATED, 3. Identifiers: Orphanet 2032, MedGen C4225346, MONDO:0014613, OMIM 616373.
Dyskeratosis congenita, autosomal recessive 5 (DKCB5). Identifiers: MedGen C3554656, MONDO:0014076, OMIM 615190.
Inborn genetic diseases. Identifiers: MedGen C0950123, MeSH D030342.

Allele frequency attached by ClinVar (database versions not stated): ExAC 0.00001; gnomAD exomes 0.00001; TOPMed 0.00001.
gnomAD v4.1: 11 of 1,612,152 alleles (0.00068%); highest among the groups gnomAD compares: Admixed American, 0.0033%; no homozygotes.

Submissions (2):

Ambry Genetics
Classification: Uncertain significance for Inborn genetic diseases. Last evaluated: 2024-12-06. Review status: criteria provided, single submitter. Criteria: Ambry Variant Classification Scheme 2023. Collection method: clinical testing. Allele origin: germline.
Comment: The p.I969V variant (also known as c.2905A>G), located in coding exon 29 of the RTEL1 gene, results from an A to G substitution at nucleotide position 2905. The isoleucine at codon 969 is replaced by valine, an amino acid with highly similar properties. This amino acid position is conserved. In addition, this alteration is predicted to be tolerated by in silico analysis. Based on the available evidence, the clinical significance of this variant remains unclear.

Labcorp Genetics (formerly Invitae), Labcorp
Classification: Uncertain significance for Dyskeratosis congenita, autosomal recessive 5; Pulmonary fibrosis and/or bone marrow failure, Telomere-related, 3. Last evaluated: 2024-05-19. Review status: criteria provided, single submitter. Criteria: Invitae Variant Classification Sherloc (09022015). Collection method: clinical testing. Allele origin: germline.
Comment: This sequence change replaces isoleucine, which is neutral and non-polar, with valine, which is neutral and non-polar, at codon 969 of the RTEL1 protein (p.Ile969Val). This variant is present in population databases (rs763141983, gnomAD 0.006%). This variant has not been reported in the literature in individuals affected with RTEL1-related conditions. ClinVar contains an entry for this variant (Variation ID: 2083872). Algorithms developed to predict the effect of missense changes on protein structure and function output the following: SIFT: "Not Available"; PolyPhen-2: "Benign"; Align-GVGD: "Not Available". The valine amino acid residue is found in multiple mammalian species, which suggests that this missense change does not adversely affect protein function. In summary, the available evidence is currently insufficient to determine the role of this variant in disease. Therefore, it has been classified as a Variant of Uncertain Significance.

NM_001283009.2(RTEL1):c.2905A>G (p.Ile969Val)

Genes: RTEL1 (regulator of telomere elongation helicase 1; plus strand), RTEL1-TNFRSF6B (RTEL1-TNFRSF6B readthrough (NMD candidate); plus strand). Cytogenetic location: 20q13.33.
Variant type: single nucleotide variant.
Coding change: c.2905A>G on transcript NM_001283009.2 (MANE Select); coding-DNA position 2905, A replaced by G.
Protein change: p.Ile969Val; replaces isoleucine 969 with valine.
Molecular consequence: missense variant. On other transcripts: non-coding transcript variant (1).
Genome position (GRCh38, 1-based): chr20:63,693,196, A>G. VCF-style: chr20-63693196-A-G. GRCh37 (hg19) VCF-style: chr20-62324549-A-G.
Other names: c.2236A>G, p.Ile746Val (NM_001283010.1); c.2905A>G, p.Ile969Val (NM_016434.4); c.2977A>G, p.Ile993Val (NM_032957.5); short protein forms I969V, I993V, I746V.
Identifiers: ClinVar variation 2083872 (VCV002083872.5), dbSNP rs763141983, ClinGen allele CA9965651.